The following is an entry in ClinVar:

NM_001376256.1(CRYM):c.250G>A (p.Gly84Ser)

Gene: CRYM (crystallin mu; minus strand). Cytogenetic location: 16p12.2.
Variant type: single nucleotide variant.
Coding change: c.250G>A on transcript NM_001376256.1 (MANE Select); coding-DNA position 250, G replaced by A.
Protein change: p.Gly84Ser; replaces glycine 84 with serine.
Molecular consequence: missense variant.
Genome position (GRCh38, 1-based): chr16:21,277,505, C>T on the plus strand (G>A on the coding strand, the complement: CRYM is on the minus strand). VCF-style: chr16-21277505-C-T. GRCh37 (hg19) VCF-style: chr16-21288826-C-T.
Other names: c.250G>A, p.Gly84Ser (NM_001888.5); short protein forms G84S.
Identifiers: ClinVar variation 4703305 (VCV004703305.1).

ClinVar aggregate classification (germline): Uncertain significance (1 of 4 stars; one submission).

gnomAD v4.1: 13 of 1,613,886 alleles (0.00081%); highest among the groups gnomAD compares: African/African-American, 0.012%; no homozygotes.

Submission:

Labcorp Genetics (formerly Invitae), Labcorp
Classification: Uncertain significance. Last evaluated: 2025-11-04. Review status: criteria provided, single submitter. Criteria: Invitae Variant Classification Sherloc (09022015). Collection method: clinical testing. Allele origin: germline.
Comment: This sequence change replaces glycine, which is neutral and non-polar, with serine, which is neutral and polar, at codon 84 of the CRYM protein (p.Gly84Ser). This variant is present in population databases (rs138677668, gnomAD 0.02%). This variant has not been reported in the literature in individuals affected with CRYM-related conditions. Invitae Evidence Modeling of protein sequence and biophysical properties (such as structural, functional, and spatial information, amino acid conservation, physicochemical variation, residue mobility, and thermodynamic stability) indicates that this missense variant is not expected to disrupt CRYM protein function with a negative predictive value of 80%. In summary, the available evidence is currently insufficient to determine the role of this variant in disease. Therefore, it has been classified as a Variant of Uncertain Significance.